The following is an entry in ClinVar:

NM_000719.7(CACNA1C):c.5438C>G (p.Ser1813Cys)

Genes: CACNA1C-AS1 (CACNA1C antisense RNA 1; minus strand), CACNA1C (calcium voltage-gated channel subunit alpha1 C; plus strand). Cytogenetic location: 12p13.33.
Variant type: single nucleotide variant.
Coding change: c.5438C>G on transcript NM_000719.7 (MANE Select); coding-DNA position 5438, C replaced by G.
Protein change: p.Ser1813Cys; replaces serine 1813 with cysteine.
Molecular consequence: missense variant.
Genome position (GRCh38, 1-based): chr12:2,679,790, C>G. VCF-style: chr12-2679790-C-G. GRCh37 (hg19) VCF-style: chr12-2788956-C-G.
Other names: c.5438C>G, p.Ser1813Cys (NM_001129830.3, NM_001129840.2, NM_001129841.2 and 4 more transcripts); c.5522C>G, p.Ser1841Cys (NM_001129831.2); c.5498C>G, p.Ser1833Cys (NM_001129832.2); c.5495C>G, p.Ser1832Cys (NM_001129833.2, NM_001129834.2, NM_001129835.2); c.5489C>G, p.Ser1830Cys (NM_001129836.2); c.5462C>G, p.Ser1821Cys (NM_001129837.2, NM_001129838.2); c.5456C>G, p.Ser1819Cys (NM_001129839.2); c.5429C>G, p.Ser1810Cys (NM_001129844.2); and 3 more; short protein forms S1819C, S1833C, S1802C, S1810C, S1813C, S1832C, S1821C, S1854C.
Identifiers: ClinVar variation 3635030 (VCV003635030.2).

ClinVar aggregate classification (germline): Uncertain significance (1 of 4 stars; one submission).

Conditions:
Long QT syndrome (LQTS). Identifiers: MedGen C0023976, MeSH D008133, MONDO:0002442. Disease mechanism: loss of function. Inheritance: Various modes of inheritance.

Submission:

Labcorp Genetics (formerly Invitae), Labcorp
Classification: Uncertain significance for Long QT syndrome. Last evaluated: 2024-02-20. Review status: criteria provided, single submitter. Criteria: Invitae Variant Classification Sherloc (09022015). Collection method: clinical testing. Allele origin: germline.
Comment: This sequence change replaces serine, which is neutral and polar, with cysteine, which is neutral and slightly polar, at codon 1813 of the CACNA1C protein (p.Ser1813Cys). This variant is not present in population databases (gnomAD no frequency). This variant has not been reported in the literature in individuals affected with CACNA1C-related conditions. Advanced modeling of protein sequence and biophysical properties (such as structural, functional, and spatial information, amino acid conservation, physicochemical variation, residue mobility, and thermodynamic stability) performed at Invitae indicates that this missense variant is not expected to disrupt CACNA1C protein function with a negative predictive value of 95%. In summary, the available evidence is currently insufficient to determine the role of this variant in disease. Therefore, it has been classified as a Variant of Uncertain Significance.